The following is an entry in ClinVar:

ClinVar aggregate classification (germline): Likely benign. Review status: criteria provided, multiple submitters, no conflicts (2 of 4 stars). 2 submissions from 2 submitters: Likely benign (2). Last evaluated 2025-04-07.

Conditions:
Hereditary spastic paraplegia 11. Also called: SPASTIC PARAPLEGIA, AUTOSOMAL RECESSIVE, COMPLICATED, WITH THIN CORPUS CALLOSUM; Spastic Paraplegia 11; Nakamura Osame syndrome; Autosomal recessive hereditary spastic paraplegia, mental impairment, and thin corpus callosum; SPASTIC PARAPLEGIA, AUTOSOMAL RECESSIVE, WITH MENTAL IMPAIRMENT AND THIN CORPUS CALLOSUM; Spastic paraplegia, mental retardation and thin corpus callosum. Identifiers: Orphanet 2822, MedGen C1858479, MONDO:0011445, OMIM 604360.

Allele frequency attached by ClinVar (database versions not stated): ExAC 0.00001.
gnomAD v4.1: 15 of 1,614,208 alleles (0.00093%); highest among the groups gnomAD compares: Non-Finnish European, 0.0012%; no homozygotes.

Submissions (2):

Labcorp Genetics (formerly Invitae), Labcorp
Classification: Likely benign for Hereditary spastic paraplegia 11. Last evaluated: 2025-04-07. Review status: criteria provided, single submitter. Criteria: Invitae Variant Classification Sherloc (09022015). Collection method: clinical testing. Allele origin: germline.

CeGaT Center for Human Genetics Tuebingen
Classification: Likely benign. Last evaluated: 2024-09-01. Review status: criteria provided, single submitter. Criteria: CeGaT Center For Human Genetics Tuebingen Variant Classification Criteria Version 2. Collection method: clinical testing. Allele origin: germline. Affected: yes. Observed: 1 variant allele.
Comment: SPG11: BP4, BP7

NM_025137.4(SPG11):c.618G>A (p.Thr206=)

Gene: SPG11 (SPG11 vesicle trafficking associated, spatacsin; minus strand). Cytogenetic location: 15q21.1.
Variant type: single nucleotide variant.
Coding change: c.618G>A on transcript NM_025137.4 (MANE Select); coding-DNA position 618, G replaced by A.
Protein change: p.Thr206=; no amino-acid change (threonine 206 retained).
Molecular consequence: synonymous variant.
Genome position (GRCh38, 1-based): chr15:44,659,128, C>T on the plus strand (G>A on the coding strand, the complement: SPG11 is on the minus strand). VCF-style: chr15-44659128-C-T. GRCh37 (hg19) VCF-style: chr15-44951326-C-T.
Other names: c.618G>A, p.Thr206= (NM_001160227.2, NM_001411132.1).
Identifiers: ClinVar variation 2167959 (VCV002167959.18), dbSNP rs766634102, ClinGen allele CA7535786.